The following is an entry in ClinVar:

NM_003849.4(SUCLG1):c.247G>T (p.Val83Phe)

Gene: SUCLG1 (succinate-CoA ligase GDP/ADP-forming subunit alpha; minus strand). Cytogenetic location: 2p11.2.
Variant type: single nucleotide variant.
Coding change: c.247G>T on transcript NM_003849.4 (MANE Select); coding-DNA position 247, G replaced by T.
Protein change: p.Val83Phe; replaces valine 83 with phenylalanine.
Molecular consequence: missense variant.
Genome position (GRCh38, 1-based): chr2:84,443,355, C>A on the plus strand (G>T on the coding strand, the complement: SUCLG1 is on the minus strand). VCF-style: chr2-84443355-C-A. GRCh37 (hg19) VCF-style: chr2-84670479-C-A.
Other names: short protein forms V83F.
Identifiers: ClinVar variation 1197275 (VCV001197275.7), dbSNP rs539350409, ClinGen allele CA52255301.
Genomic context (GRCh38, chr2:84,443,355, plus strand): 5'-TATTAAAGACAGGTAAGCCCAGATGTGTCTGGCCTCCTTTCCCTGGAGTGGTTCCTCCAA[C>A]GAGTTTGGTGCCATATTCCAATGCCTGCTGGCTGTGAAAGGTGCCCTGAGGGGAAAAAGC-3'
Protein context (NP_003840.2, residues 73-93): QQALEYGTKL[Val83Phe]GGTTPGKGGQ

ClinVar aggregate classification (germline): Uncertain significance. Review status: criteria provided, multiple submitters, no conflicts (2 of 4 stars). 3 submissions from 3 submitters: Uncertain significance (3). Last evaluated 2025-07-10.

Conditions:
Mitochondrial DNA depletion syndrome 9 (MTDPS9). Also called: SUCLG1-Related Mitochondrial DNA Depletion Syndrome, Encephalomyopathic Form with Methylmalonic Aciduria. Identifiers: Orphanet 17, MedGen C3151476, MONDO:0009504, OMIM 245400.

gnomAD v4.1: 38 of 1,614,040 alleles (0.0024%); highest among the groups gnomAD compares: Non-Finnish European, 0.0031%; no homozygotes.

Submissions (3):

ARUP Laboratories, Molecular Genetics and Genomics, ARUP Laboratories
Classification: Uncertain significance for Mitochondrial DNA depletion syndrome 9. Last evaluated: 2025-07-10. Review status: criteria provided, single submitter. Criteria: ARUP Molecular Germline Variant Investigation Process 2024. Collection method: clinical testing. Allele origin: germline.
Comment: The SUCLG1 c.247G>T; p.Val83Phe variant (rs539350409), to our knowledge, is not reported in the medical literature but is reported in ClinVar (Variation ID: 1197275). This variant is only observed on one allele in the Genome Aggregation Database (v2.1.1), indicating it is not a common polymorphism. Computational analyses predict that this variant is deleterious (REVEL: 0.911). However, given the lack of clinical and functional data, the significance of this variant is uncertain at this time.

Labcorp Genetics (formerly Invitae), Labcorp
Classification: Uncertain significance for Mitochondrial DNA depletion syndrome 9. Last evaluated: 2022-11-01. Review status: criteria provided, single submitter. Criteria: Invitae Variant Classification Sherloc (09022015). Collection method: clinical testing. Allele origin: germline.
Comment: In summary, the available evidence is currently insufficient to determine the role of this variant in disease. Therefore, it has been classified as a Variant of Uncertain Significance. Algorithms developed to predict the effect of missense changes on protein structure and function (SIFT, PolyPhen-2, Align-GVGD) all suggest that this variant is likely to be disruptive. ClinVar contains an entry for this variant (Variation ID: 1197275). This variant has not been reported in the literature in individuals affected with SUCLG1-related conditions. This variant is present in population databases (no rsID available, gnomAD no frequency). This sequence change replaces valine, which is neutral and non-polar, with phenylalanine, which is neutral and non-polar, at codon 83 of the SUCLG1 protein (p.Val83Phe).

GeneDx
Classification: Uncertain significance. Last evaluated: 2020-01-23. Review status: criteria provided, single submitter. Criteria: GeneDx Variant Classification Process June 2021. Collection method: clinical testing. Allele origin: germline. Affected: yes.
Comment: Not observed at a significant frequency in large population cohorts (Lek et al., 2016); In silico analysis supports that this missense variant has a deleterious effect on protein structure/function; Has not been previously published as pathogenic or benign to our knowledge